The following is an entry in ClinVar:

ClinVar aggregate classification (germline): Uncertain significance (1 of 4 stars; one submission).

Allele frequency attached by ClinVar (database versions not stated): TOPMed 0.00001.

Submission:

Labcorp Genetics (formerly Invitae), Labcorp
Classification: Uncertain significance. Last evaluated: 2023-09-18. Review status: criteria provided, single submitter. Criteria: Invitae Variant Classification Sherloc (09022015). Collection method: clinical testing. Allele origin: germline.
Comment: This sequence change replaces glutamic acid, which is acidic and polar, with glycine, which is neutral and non-polar, at codon 1109 of the GRIN2D protein (p.Glu1109Gly). This variant is not present in population databases (gnomAD no frequency). This variant has not been reported in the literature in individuals affected with GRIN2D-related conditions. Advanced modeling of protein sequence and biophysical properties (such as structural, functional, and spatial information, amino acid conservation, physicochemical variation, residue mobility, and thermodynamic stability) performed at Invitae indicates that this missense variant is not expected to disrupt GRIN2D protein function. In summary, the available evidence is currently insufficient to determine the role of this variant in disease. Therefore, it has been classified as a Variant of Uncertain Significance.

NM_000836.4(GRIN2D):c.3326A>G (p.Glu1109Gly)

Gene: GRIN2D (glutamate ionotropic receptor NMDA type subunit 2D; plus strand). Cytogenetic location: 19q13.33.
Variant type: single nucleotide variant.
Coding change: c.3326A>G on transcript NM_000836.4 (MANE Select); coding-DNA position 3326, A replaced by G.
Protein change: p.Glu1109Gly; replaces glutamic acid 1109 with glycine.
Molecular consequence: missense variant.
Genome position (GRCh38, 1-based): chr19:48,443,252, A>G. VCF-style: chr19-48443252-A-G. GRCh37 (hg19) VCF-style: chr19-48946509-A-G.
Other names: short protein forms E1109G.
Identifiers: ClinVar variation 2804200 (VCV002804200.3), dbSNP rs1311795736, ClinGen allele CA406675621.